The following is an entry in ClinVar:

ClinVar aggregate classification (germline): Uncertain significance (1 of 4 stars; one submission).

Submission:

Ambry Genetics
Classification: Uncertain significance. Last evaluated: 2024-08-04. Review status: criteria provided, single submitter. Criteria: Ambry Variant Classification Scheme 2023. Collection method: clinical testing. Allele origin: germline.
Comment: The p.N782S variant (also known as c.2345A>G), located in coding exon 15 of the RINT1 gene, results from an A to G substitution at nucleotide position 2345. The asparagine at codon 782 is replaced by serine, an amino acid with highly similar properties. This amino acid position is conserved. In addition, this alteration is predicted to be tolerated by in silico analysis. Based on the available evidence, the clinical significance of this variant remains unclear.

NM_021930.6(RINT1):c.2345A>G (p.Asn782Ser)

Genes: EFCAB10 (EF-hand calcium binding domain 10; minus strand), RINT1 (RAD50 interactor 1; plus strand). Cytogenetic location: 7q22.3.
Variant type: single nucleotide variant.
Coding change: c.2345A>G on transcript NM_021930.6 (MANE Select); coding-DNA position 2345, A replaced by G.
Protein change: p.Asn782Ser; replaces asparagine 782 with serine.
Molecular consequence: missense variant. On other transcripts: 3 prime UTR variant (2), non-coding transcript variant (1), intron variant (3).
Genome position (GRCh38, 1-based): chr7:105,567,277, A>G. VCF-style: chr7-105567277-A-G. GRCh37 (hg19) VCF-style: chr7-105207724-A-G.
Other names: c.*177T>C (NM_001355527.2, NM_001355529.2); c.2111A>G, p.Asn704Ser (NM_001346599.2); c.1322A>G, p.Asn441Ser (NM_001346600.2, NM_001346603.2); c.1421A>G, p.Asn474Ser (NM_001346601.2); c.360-1830T>C (NM_001355531.2); c.383+190T>C (NM_001355526.2, NM_001355530.2); short protein forms N441S, N782S, N474S, N704S.
Identifiers: ClinVar variation 3433572 (VCV003433572.1).